The following is an entry in ClinVar:

NM_183381.3(RNF13):c.1087G>A (p.Val363Ile)

Gene: RNF13 (ring finger protein 13; plus strand). Cytogenetic location: 3q25.1.
Variant type: single nucleotide variant.
Coding change: c.1087G>A on transcript NM_183381.3 (MANE Select); coding-DNA position 1087, G replaced by A.
Protein change: p.Val363Ile; replaces valine 363 with isoleucine.
Molecular consequence: missense variant. On other transcripts: non-coding transcript variant (1).
Genome position (GRCh38, 1-based): chr3:149,961,045, G>A. VCF-style: chr3-149961045-G-A. GRCh37 (hg19) VCF-style: chr3-149678832-G-A.
Other names: c.1087G>A, p.Val363Ile (NM_001378285.1, NM_001378286.1, NM_007282.4); c.730G>A, p.Val244Ile (NM_001378287.1, NM_001378288.1, NM_001378289.1 and 2 more transcripts); c.694G>A, p.Val232Ile (NM_001378291.1); short protein forms V232I, V244I, V363I.
Identifiers: ClinVar variation 2629938 (VCV002629938.1), dbSNP rs2473636530, ClinGen allele CA354936332.

ClinVar aggregate classification (germline): Uncertain significance (1 of 4 stars; one submission).

Conditions:
RNF13-related disorder. Also called: RNF13-related condition.

Submission:

PreventionGenetics, part of Exact Sciences
Classification: Uncertain significance for RNF13-related condition. Last evaluated: 2022-12-19. Review status: criteria provided, single submitter. Criteria: ACMG Guidelines, 2015. Collection method: clinical testing. Allele origin: germline.
Comment: The RNF13 c.1087G>A variant is predicted to result in the amino acid substitution p.Val363Ile. To our knowledge, this variant has not been reported in the literature or in a large population database, indicating this variant is rare. At this time, the clinical significance of this variant is uncertain due to the absence of conclusive functional and genetic evidence.